The following is an entry in ClinVar:

NM_030957.4(ADAMTS10):c.2742_2780dup (p.Val915_Ala927dup)

Gene: ADAMTS10 (ADAM metallopeptidase with thrombospondin type 1 motif 10; minus strand). Cytogenetic location: 19p13.2.
Variant type: Duplication.
Coding change: c.2742_2780dup on transcript NM_030957.4 (MANE Select); coding-DNA positions 2742 to 2780, 39 bases duplicated.
Protein change: p.Val915_Ala927dup.
Molecular consequence: inframe insertion.
Genome position (GRCh38, 1-based): chr19:8,585,541-8,585,579, 39 bases duplicated. GRCh37 (hg19): chr19:8,650,425-8,650,463.
Other names: c.1203_1241dup, p.Val402_Ala414dup (NM_001282352.2).
Identifiers: ClinVar variation 1019791 (VCV001019791.5), dbSNP rs1555736800, ClinGen allele CA631366362.

ClinVar aggregate classification (germline): Uncertain significance (1 of 4 stars; one submission).

Allele frequency attached by ClinVar (database versions not stated): gnomAD exomes 0.00001 and 0.00004; gnomAD 0.00002 and 0.00003.

Submission:

Labcorp Genetics (formerly Invitae), Labcorp
Classification: Uncertain significance. Last evaluated: 2022-07-08. Review status: criteria provided, single submitter. Criteria: Invitae Variant Classification Sherloc (09022015). Collection method: clinical testing. Allele origin: germline.
Comment: This variant, c.2742_2780dup, results in the insertion of 13 amino acid(s) of the ADAMTS10 protein (p.Val915_Ala927dup), but otherwise preserves the integrity of the reading frame. This variant is present in population databases (no rsID available, gnomAD 0.003%). This variant has not been reported in the literature in individuals affected with ADAMTS10-related conditions. ClinVar contains an entry for this variant (Variation ID: 1019791). Experimental studies and prediction algorithms are not available or were not evaluated, and the functional significance of this variant is currently unknown. In summary, the available evidence is currently insufficient to determine the role of this variant in disease. Therefore, it has been classified as a Variant of Uncertain Significance.